The following is an entry in ClinVar:

ClinVar aggregate classification (germline): Likely benign. Review status: criteria provided, single submitter (1 of 4 stars). 2 submissions from 2 submitters: Likely benign (1). 1 of the submissions does not count toward it. Last evaluated 2023-10-22.

Conditions:
Cerebral folate transport deficiency. Also called: FOLR1-Related Cerebral Folate Transport Deficiency; NEURODEGENERATION DUE TO CEREBRAL FOLATE TRANSPORT DEFICIENCY; Neurodegenerative syndrome due to cerebral folate transport deficiency; Cerebral folate deficiency syndrome; FOLATE RECEPTOR DEFICIENCY. Identifiers: Orphanet 217382, MedGen C2751584, MONDO:0013110, OMIM 613068. Disease mechanism: loss of function.
FOLR1-related disorder. Also called: FOLR1-related condition.

Allele frequency attached by ClinVar (database versions not stated): gnomAD exomes below 0.00001.

Submissions (2):

Labcorp Genetics (formerly Invitae), Labcorp
Classification: Likely benign for Cerebral folate transport deficiency. Last evaluated: 2023-10-22. Review status: criteria provided, single submitter. Criteria: Invitae Variant Classification Sherloc (09022015). Collection method: clinical testing. Allele origin: germline.

PreventionGenetics, part of Exact Sciences
Classification: Likely benign for FOLR1-related condition. Last evaluated: 2024-02-28. Review status: no assertion criteria provided. Collection method: clinical testing. Allele origin: germline. Not counted in ClinVar's aggregate classification.
Comment: This variant is classified as likely benign based on ACMG/AMP sequence variant interpretation guidelines (Richards et al. 2015 PMID: 25741868, with internal and published modifications).

NM_016729.3(FOLR1):c.337T>C (p.Leu113=)

Genes: FOLR1 (folate receptor alpha; plus strand), FOLR1-AS1 (FOLR1 antisense RNA 1; minus strand). Cytogenetic location: 11q13.4.
Variant type: single nucleotide variant.
Coding change: c.337T>C on transcript NM_016729.3 (MANE Select); coding-DNA position 337, T replaced by C.
Protein change: p.Leu113=; no amino-acid change (leucine 113 retained).
Molecular consequence: synonymous variant.
Genome position (GRCh38, 1-based): chr11:72,195,439, T>C. VCF-style: chr11-72195439-T-C. GRCh37 (hg19) VCF-style: chr11-71906483-T-C.
Other names: c.337T>C, p.Leu113= (NM_000802.3, NM_016724.3, NM_016725.3 and 1 more transcripts); c.337T>C (NM_016724.2).
Identifiers: ClinVar variation 2770592 (VCV002770592.5), dbSNP rs2539131708, ClinGen allele CA475865267.